The following is an entry in ClinVar:

NM_004614.5(TK2):c.38C>T (p.Ala13Val)

Genes: TK2 (thymidine kinase 2; minus strand), LOC130059156 (ATAC-STARR-seq lymphoblastoid silent region 7560; plus strand). Cytogenetic location: 16q21.
Variant type: single nucleotide variant.
Coding change: c.38C>T on transcript NM_004614.5 (MANE Select); coding-DNA position 38, C replaced by T.
Protein change: p.Ala13Val; replaces alanine 13 with valine.
Molecular consequence: missense variant. On other transcripts: 5 prime UTR variant (2), non-coding transcript variant (1), intron variant (2).
Genome position (GRCh38, 1-based): chr16:66,550,024, G>A on the plus strand (C>T on the coding strand, the complement: TK2 is on the minus strand). VCF-style: chr16-66550024-G-A. GRCh37 (hg19) VCF-style: chr16-66583927-G-A.
Other names: c.38C>T (NM_004614.4); c.38C>T, p.Ala13Val (NM_001172644.2, NM_001172645.2); c.-205C>T (NM_001271934.2); c.-615C>T (NM_001272050.2); c.31+229C>T (NM_001271935.1, NM_001172643.1); short protein forms A13V.
Identifiers: ClinVar variation 1365991 (VCV001365991.6), dbSNP rs748987291, ClinGen allele CA8093851.

ClinVar aggregate classification (germline): Uncertain significance. Review status: criteria provided, multiple submitters, no conflicts (2 of 4 stars). 2 submissions from 2 submitters: Uncertain significance (2). Last evaluated 2025-12-08.

Conditions:
Inborn genetic diseases. Identifiers: MedGen C0950123, MeSH D030342.

Allele frequency attached by ClinVar (database versions not stated): TOPMed below 0.00001; ExAC 0.00008; gnomAD exomes 0.00001 and 0.00004; gnomAD 0.00001.
gnomAD v4.1: 9 of 1,548,454 alleles (0.00058%); highest among the groups gnomAD compares: Admixed American, 0.014%; no homozygotes.

Submissions (2):

Ambry Genetics
Classification: Uncertain significance for Inborn genetic diseases. Last evaluated: 2025-12-08. Review status: criteria provided, single submitter. Criteria: Ambry Variant Classification Scheme 2023. Collection method: clinical testing. Allele origin: germline.

Labcorp Genetics (formerly Invitae), Labcorp
Classification: Uncertain significance. Last evaluated: 2022-07-26. Review status: criteria provided, single submitter. Criteria: Invitae Variant Classification Sherloc (09022015). Collection method: clinical testing. Allele origin: germline.
Comment: This sequence change replaces alanine, which is neutral and non-polar, with valine, which is neutral and non-polar, at codon 13 of the TK2 protein (p.Ala13Val). This variant is present in population databases (rs748987291, gnomAD 0.02%). This variant has not been reported in the literature in individuals affected with TK2-related conditions. ClinVar contains an entry for this variant (Variation ID: 1365991). Advanced modeling of protein sequence and biophysical properties (such as structural, functional, and spatial information, amino acid conservation, physicochemical variation, residue mobility, and thermodynamic stability) performed at Invitae indicates that this missense variant is not expected to disrupt TK2 protein function. Algorithms developed to predict the effect of sequence changes on RNA splicing suggest that this variant may create or strengthen a splice site. In summary, the available evidence is currently insufficient to determine the role of this variant in disease. Therefore, it has been classified as a Variant of Uncertain Significance.